The following is an entry in ClinVar:

ClinVar aggregate classification (germline): Uncertain significance (1 of 4 stars; one submission).

Conditions:
Hereditary cancer-predisposing syndrome. Also called: Neoplastic Syndromes, Hereditary; Tumor predisposition; Hereditary Cancer Syndrome; Hereditary neoplastic syndrome. Identifiers: Orphanet 140162, MedGen C0027672, MeSH D009386, MONDO:0015356.

Submission:

Ambry Genetics
Classification: Uncertain significance for Hereditary cancer-predisposing syndrome. Last evaluated: 2026-03-11. Review status: criteria provided, single submitter. Criteria: Ambry Variant Classification Scheme 2023. Collection method: clinical testing. Allele origin: germline.
Comment: The p.G862R variant (also known as c.2584G>A), located in coding exon 19 of the MSH3 gene, results from a G to A substitution at nucleotide position 2584. The glycine at codon 862 is replaced by arginine, an amino acid with dissimilar properties. This amino acid position is conserved. In addition, this alteration is predicted to be deleterious by in silico analysis. Based on the available evidence, the clinical significance of this variant remains unclear.

NM_002439.5(MSH3):c.2584G>A (p.Gly862Arg)

Gene: MSH3 (mutS homolog 3; plus strand). Cytogenetic location: 5q14.1.
Variant type: single nucleotide variant.
Coding change: c.2584G>A on transcript NM_002439.5 (MANE Select); coding-DNA position 2584, G replaced by A.
Protein change: p.Gly862Arg; replaces glycine 862 with arginine.
Molecular consequence: missense variant.
Genome position (GRCh38, 1-based): chr5:80,792,773, G>A. VCF-style: chr5-80792773-G-A. GRCh37 (hg19) VCF-style: chr5-80088592-G-A.
Other names: short protein forms G862R.
Identifiers: ClinVar variation 4826794 (VCV004826794.1).
Genomic context (GRCh38, chr5:80,792,773, plus strand): 5'-AACATATTTCTTTTTTGCAGACCAACTGTACAAGAAGAAAGAAAAATTGTAATAAAAAAT[G>A]GAAGGCACCCTGTGATTGATGTGTTGCTGGGAGAACAGGATCAATATGTCCCAAATAATA-3'
Protein context (NP_002430.3, residues 852-872): QEERKIVIKN[Gly862Arg]RHPVIDVLLG